The following is an entry in ClinVar:

ClinVar aggregate classification (germline): Conflicting classifications of pathogenicity. Review status: criteria provided, conflicting classifications (1 of 4 stars). 3 submissions from 3 submitters: Uncertain significance (1); Likely benign (1). 1 of the submissions does not count toward it. Last evaluated 2025-04-14.

Conditions:
Congenital erythropoietic porphyria. Also called: GUNTHER DISEASE; UROS DEFICIENCY; Cutaneous porphyria; Congenital porphyria; Günther disease; Uroporphyrinogen III synthase, deficiency of. Identifiers: Orphanet 79277, MedGen C5886774, MONDO:0009902, OMIM 263700.

gnomAD v4.1: 233 of 1,614,056 alleles (0.014%); highest among the groups gnomAD compares: Middle Eastern, 0.066%; 1 homozygote.

Submissions (3):

Labcorp Genetics (formerly Invitae), Labcorp
Classification: Likely benign. Last evaluated: 2025-04-14. Review status: criteria provided, single submitter. Criteria: Invitae Variant Classification Sherloc (09022015). Collection method: clinical testing. Allele origin: germline.

Illumina Laboratory Services, Illumina
Classification: Uncertain significance for Congenital erythropoietic porphyria. Last evaluated: 2018-01-13. Review status: criteria provided, single submitter. Criteria: ICSL Variant Classification Criteria 13 December 2019. Collection method: clinical testing. Allele origin: germline.

Department of Pathology and Laboratory Medicine, Sinai Health System
Classification: Uncertain significance. Review status: no assertion criteria provided. Collection method: clinical testing. Allele origin: unknown. Affected: yes. Study: The Canadian Open Genetics Repository (COGR). Not counted in ClinVar's aggregate classification.
Comment: The UROS p.Val144Ala variant was not identified in the literature nor was it identified in Cosmic or LOVD 3.0. The variant was identified in dbSNP (ID: rs17173752) and in ClinVar (classified as a VUS by Illumina Clinical Services Laboratory for congenital erythropoietic porphyria). The variant was also identified in control databases in 63 of 282894 chromosomes at a frequency of 0.000223 (Genome Aggregation Database Feb 27, 2017). The variant was observed in the following populations: Ashkenazi Jewish in 48 of 10370 chromosomes (freq: 0.004629), Other in 3 of 7228 chromosomes (freq: 0.000415), European (non-Finnish) in 11 of 129196 chromosomes (freq: 0.000085) and South Asian in 1 of 30616 chromosomes (freq: 0.000033); it was not observed in the African, Latino, East Asian and European (Finnish) populations. The variant occurs outside of the splicing consensus sequence and in silico or computational prediction software programs (SpliceSiteFinder, MaxEntScan, NNSPLICE, GeneSplicer) do not predict a difference in splicing at the variant location. The p.Val144 residue is not conserved in mammals and computational analyses (PolyPhen-2, SIFT, AlignGVGD, BLOSUM, MutationTaster) do not suggest a high likelihood of impact to the protein. In summary, based on the above information the clinical significance of this variant cannot be determined with certainty at this time. This variant is classified as a variant of uncertain significance.

NM_000375.3(UROS):c.512T>C (p.Val171Ala)

Gene: UROS (uroporphyrinogen III synthase; minus strand). Cytogenetic location: 10q26.2.
Variant type: single nucleotide variant.
Coding change: c.512T>C on transcript NM_000375.3 (MANE Select); coding-DNA position 512, T replaced by C.
Protein change: p.Val171Ala; replaces valine 171 with alanine.
Molecular consequence: missense variant. On other transcripts: non-coding transcript variant (4).
Genome position (GRCh38, 1-based): chr10:125,796,152, A>G on the plus strand (T>C on the coding strand, the complement: UROS is on the minus strand). VCF-style: chr10-125796152-A-G. GRCh37 (hg19) VCF-style: chr10-127484721-A-G.
Other names: c.512T>C, p.Val171Ala (NM_001324036.2); c.431T>C, p.Val144Ala (NM_001324037.2, NM_001324038.2); short protein forms V144A, V171A.
Identifiers: ClinVar variation 299189 (VCV000299189.13), dbSNP rs17173752, ClinGen allele CA5738415.